The following is an entry in ClinVar:

ClinVar aggregate classification (germline): Uncertain significance (1 of 4 stars; one submission).

Conditions:
Neurofibromatosis, type 1 (NF1). Also called: VON RECKLINGHAUSEN DISEASE; Peripheral type neurofibromatosis; NEUROFIBROMATOSIS, TYPE I, SOMATIC; Neurofibromatosis, type I. Identifiers: Orphanet 636, MedGen C0027831, MONDO:0018975, OMIM 162200. Disease mechanism: loss of function.

Submission:

Labcorp Genetics (formerly Invitae), Labcorp
Classification: Uncertain significance for Neurofibromatosis, type 1. Last evaluated: 2024-03-14. Review status: criteria provided, single submitter. Criteria: Invitae Variant Classification Sherloc (09022015). Collection method: clinical testing. Allele origin: germline.
Comment: This sequence change replaces valine, which is neutral and non-polar, with glutamic acid, which is acidic and polar, at codon 1321 of the NF1 protein (p.Val1321Glu). This variant is not present in population databases (gnomAD no frequency). This variant has not been reported in the literature in individuals affected with NF1-related conditions. Advanced modeling of protein sequence and biophysical properties (such as structural, functional, and spatial information, amino acid conservation, physicochemical variation, residue mobility, and thermodynamic stability) performed at Invitae indicates that this missense variant is expected to disrupt NF1 protein function with a positive predictive value of 95%. In summary, the available evidence is currently insufficient to determine the role of this variant in disease. Therefore, it has been classified as a Variant of Uncertain Significance.

NM_001042492.3(NF1):c.3962T>A (p.Val1321Glu)

Gene: NF1 (neurofibromin 1; plus strand). Cytogenetic location: 17q11.2.
Variant type: single nucleotide variant.
Coding change: c.3962T>A on transcript NM_001042492.3 (MANE Select); coding-DNA position 3962, T replaced by A.
Protein change: p.Val1321Glu; replaces valine 1321 with glutamic acid.
Molecular consequence: missense variant.
Genome position (GRCh38, 1-based): chr17:31,236,009, T>A. VCF-style: chr17-31236009-T-A. GRCh37 (hg19) VCF-style: chr17-29563027-T-A.
Other names: c.3962T>A, p.Val1321Glu (NM_000267.4); short protein forms V1321E.
Identifiers: ClinVar variation 3634544 (VCV003634544.2).
Genomic context (GRCh38, chr17:31,236,009, plus strand): 5'-TGGATCCTTTATTACGAATTGTGATCACATCCTCTGATTGGCAACATGTTAGCTTTGAAG[T>A]GGATCCTACCAGGTTTGTCATCTTTTCACATAGAACCGCTGTTTTTTGTTTTTTTTTTTT-3'
Protein context (NP_001035957.1, residues 1311-1331): SSDWQHVSFE[Val1321Glu]DPTRLEPSES